The following is an entry in ClinVar:

ClinVar aggregate classification (germline): Conflicting classifications of pathogenicity. Review status: criteria provided, conflicting classifications (1 of 4 stars). 6 submissions from 6 submitters: Uncertain significance (2); Likely benign (3). 1 of the submissions does not count toward it. Last evaluated 2026-02-02.

Conditions:
CERKL-related disorder. Also called: CERKL-related condition.
Retinal dystrophy. Also called: Inherited retinal dystrophy. Identifiers: Orphanet 71862, MedGen C0854723, MeSH D058499, MONDO:0019118, HP:0000556.
Retinitis pigmentosa 26 (RP26). Identifiers: Orphanet 791, MedGen C1842127, MONDO:0012024, OMIM 608380.

Allele frequency attached by ClinVar (database versions not stated): gnomAD exomes 0.00002 and 0.00014; gnomAD 0.00007; ExAC 0.00014; TOPMed 0.00018.
gnomAD v4.1: 47 of 1,609,982 alleles (0.0029%); highest among the groups gnomAD compares: East Asian, 0.087%; no homozygotes.

Submissions (6):

Labcorp Genetics (formerly Invitae), Labcorp
Classification: Likely benign. Last evaluated: 2026-02-02. Review status: criteria provided, single submitter. Criteria: Invitae Variant Classification Sherloc (09022015). Collection method: clinical testing. Allele origin: germline.

PreventionGenetics, part of Exact Sciences
Classification: Likely benign for CERKL-related condition. Last evaluated: 2024-10-18. Review status: criteria provided, single submitter. Criteria: ACMG Guidelines, 2015. Collection method: clinical testing. Allele origin: germline.
Comment: This variant is classified as likely benign based on ACMG/AMP sequence variant interpretation guidelines (Richards et al. 2015 PMID: 25741868, with internal and published modifications).

Blueprint Genetics
Classification: Uncertain significance. Last evaluated: 2024-06-17. Review status: criteria provided, single submitter. Criteria: ACMG Guidelines, 2015. Collection method: clinical testing. Allele origin: germline.

Dept Of Ophthalmology, Nagoya University
Classification: Likely benign for Retinal dystrophy. Last evaluated: 2023-10-01. Review status: criteria provided, single submitter. Criteria: Submitter's publication. Collection method: research. Allele origin: germline. Affected: yes.

GeneDx
Classification: Uncertain significance. Last evaluated: 2017-01-30. Review status: criteria provided, single submitter. Criteria: GeneDx Variant Classification (06012015). Collection method: clinical testing. Allele origin: germline. Affected: yes.
Comment: The Q402P variant in the CERKL gene has not been reported previously as a pathogenic variant, nor as a benign variant, to our knowledge. The Q402P variant is not observed at a significant frequency in large population cohorts (Lek et al., 2016; 1000 Genomes Consortium et al., 2015; Exome Variant Server). The Q402P variant is a non-conservative amino acid substitution, which is likely to impact secondary protein structure as these residues differ in polarity, charge, size and/or other properties. However, this substitution occurs at a position that is conserved across species, and in silico analysis is inconsistent in its predictions as to whether or not the variant is damaging to the protein structure/function. We interpret Q402P as a variant of uncertain significance.

Natera, Inc.
Classification: Uncertain significance for Retinitis Pigmentosa 26. Last evaluated: 2019-11-11. Review status: no assertion criteria provided. Collection method: clinical testing. Allele origin: germline. Not counted in ClinVar's aggregate classification.

NM_201548.5(CERKL):c.1127A>C (p.Gln376Pro)

Gene: CERKL (CERK like autophagy regulator; minus strand). Cytogenetic location: 2q31.3.
Variant type: single nucleotide variant.
Coding change: c.1127A>C on transcript NM_201548.5 (MANE Select); coding-DNA position 1127, A replaced by C.
Protein change: p.Gln376Pro; replaces glutamine 376 with proline.
Molecular consequence: missense variant. On other transcripts: non-coding transcript variant (2).
Genome position (GRCh38, 1-based): chr2:181,548,551, T>G on the plus strand (A>C on the coding strand, the complement: CERKL is on the minus strand). VCF-style: chr2-181548551-T-G. GRCh37 (hg19) VCF-style: chr2-182413278-T-G.
Other names: c.1205A>C, p.Gln402Pro (NM_001030311.3); c.788A>C, p.Gln263Pro (NM_001030312.3); c.920A>C, p.Gln307Pro (NM_001030313.3); c.1073A>C, p.Gln358Pro (NM_001160277.2); c.1205A>C (NM_001030311.2); short protein forms Q376P, Q402P, Q307P, Q358P, Q263P.
Identifiers: ClinVar variation 423197 (VCV000423197.8), dbSNP rs746220721, ClinGen allele CA2010566.
Genomic context (GRCh38, chr2:181,548,551, plus strand): 5'-TGTTTTATGCTTTAAAGATACAGGTTATCTGTATTACATTGAGTTTTTACCTACCTTTCT[T>G]GCACATCATCAGAGCTGTTAAATGGTAAAAATGATATTTCACAGTCTTCTGCCCTAAAAT-3'
Protein context (NP_963842.1, residues 366-386): FLPFNSSDDV[Gln376Pro]ERRAQGSPKS